The following is an entry in ClinVar:

ClinVar aggregate classification (germline): Uncertain significance. Review status: criteria provided, multiple submitters, no conflicts (2 of 4 stars). 4 submissions from 4 submitters: Uncertain significance (4). Last evaluated 2025-06-24.

Conditions:
Hereditary nonpolyposis colorectal neoplasms. Identifiers: MedGen C0009405, MeSH D003123.
Hereditary cancer-predisposing syndrome. Also called: Neoplastic Syndromes, Hereditary; Tumor predisposition; Hereditary Cancer Syndrome; Hereditary neoplastic syndrome. Identifiers: Orphanet 140162, MedGen C0027672, MeSH D009386, MONDO:0015356.
Lynch syndrome 5 (LYNCH5). Also called: Colorectal cancer, hereditary nonpolyposis, type 5; Hereditary non-polyposis colorectal cancer, type 5. Identifiers: Orphanet 144, MedGen C1833477, MONDO:0013710, OMIM 614350. Disease mechanism: loss of function.

Allele frequency attached by ClinVar (database versions not stated): gnomAD exomes below 0.00001; TOPMed below 0.00001; gnomAD 0.00001; ESP Exome Variant Server 0.00008.

Submissions (4):

Color Diagnostics, LLC DBA Color Health
Classification: Uncertain significance for Hereditary cancer-predisposing syndrome. Last evaluated: 2025-06-24. Review status: criteria provided, single submitter. Criteria: ACMG Guidelines, 2015. Collection method: clinical testing. Allele origin: germline.
Comment: This missense variant replaces isoleucine with valine at codon 120 of the MSH6 protein. Computational prediction suggests that this variant may not impact protein structure and function. To our knowledge, functional studies have not been reported for this variant. This variant has not been reported in individuals affected with MSH6-related disorders in the literature. This variant has not been identified in the general population by the Genome Aggregation Database (gnomAD). The available evidence is insufficient to determine the role of this variant in disease conclusively. Therefore, this variant is classified as a Variant of Uncertain Significance.

St. Jude Molecular Pathology, St. Jude Children's Research Hospital
Classification: Uncertain significance for Lynch syndrome 5. Last evaluated: 2025-06-17. Review status: criteria provided, single submitter. Criteria: St. Jude Assertion Criteria 2020. Collection method: clinical testing. Allele origin: germline.
Comment: The MSH6 c.358A>G p.(Ile120Val) missense change is absent in gnomAD v2.1.1. In silico tools predict a benign effect of this variant on protein function, but to our knowledge this prediction has not been confirmed by functional studies. To our knowledge, this variant has not been reported in individuals with Lynch syndrome or constitutional mismatch repair deficiency. In summary, the evidence currently available is insufficient to determine the clinical significance of this variant. It has therefore been classified as of uncertain significance.

Labcorp Genetics (formerly Invitae), Labcorp
Classification: Uncertain significance for Hereditary nonpolyposis colorectal neoplasms. Last evaluated: 2025-06-11. Review status: criteria provided, single submitter. Criteria: Invitae Variant Classification Sherloc (09022015). Collection method: clinical testing. Allele origin: germline.
Comment: This sequence change replaces isoleucine, which is neutral and non-polar, with valine, which is neutral and non-polar, at codon 120 of the MSH6 protein (p.Ile120Val). This variant is not present in population databases (gnomAD no frequency). This variant has not been reported in the literature in individuals affected with MSH6-related conditions. ClinVar contains an entry for this variant (Variation ID: 234188). Invitae Evidence Modeling of protein sequence and biophysical properties (such as structural, functional, and spatial information, amino acid conservation, physicochemical variation, residue mobility, and thermodynamic stability) indicates that this missense variant is not expected to disrupt MSH6 protein function with a negative predictive value of 95%. In summary, the available evidence is currently insufficient to determine the role of this variant in disease. Therefore, it has been classified as a Variant of Uncertain Significance.

Ambry Genetics
Classification: Uncertain significance for Hereditary cancer-predisposing syndrome. Last evaluated: 2024-07-06. Review status: criteria provided, single submitter. Criteria: Ambry Variant Classification Scheme 2023. Collection method: clinical testing. Allele origin: germline.
Comment: The p.I120V variant (also known as c.358A>G), located in coding exon 2 of the MSH6 gene, results from an A to G substitution at nucleotide position 358. The isoleucine at codon 120 is replaced by valine, an amino acid with highly similar properties. This amino acid position is not well conserved in available vertebrate species. In addition, this alteration is predicted to be tolerated by in silico analysis. Since supporting evidence is limited at this time, the clinical significance of this alteration remains unclear.

NM_000179.3(MSH6):c.358A>G (p.Ile120Val)

Gene: MSH6 (mutS homolog 6; plus strand). Cytogenetic location: 2p16.3.
Variant type: single nucleotide variant.
Coding change: c.358A>G on transcript NM_000179.3 (MANE Select); coding-DNA position 358, A replaced by G.
Protein change: p.Ile120Val; replaces isoleucine 120 with valine.
Molecular consequence: missense variant. On other transcripts: 5 prime UTR variant (2), intron variant (1).
Genome position (GRCh38, 1-based): chr2:47,791,024, A>G. VCF-style: chr2-47791024-A-G. GRCh37 (hg19) VCF-style: chr2-48018163-A-G.
Other names: c.-379A>G (NM_001281493.2); c.-545A>G (NM_001281494.2); c.237+7554A>G (NM_001281492.2); short protein forms I120V.
Identifiers: ClinVar variation 234188 (VCV000234188.21), dbSNP rs146455343, ClinGen allele CA10578033.
Genomic context (GRCh38, chr2:47,791,024, plus strand): 5'-ATGGAGGGTTACCCCTGGTGGCCTTGTCTGGTTTACAACCACCCCTTTGATGGAACATTC[A>G]TCCGCGAGAAAGGGAAATCAGTCCGTGTTCATGTACAGTTTTTTGATGACAGCCCAACAA-3'
Protein context (NP_000170.1, residues 110-130): VYNHPFDGTF[Ile120Val]REKGKSVRVH